The following is an entry in ClinVar:

NM_001384609.1(SLITRK5):c.1829T>A (p.Leu610Gln)

Gene: SLITRK5 (SLIT and NTRK like family member 5; plus strand). Cytogenetic location: 13q31.2.
Variant type: single nucleotide variant.
Coding change: c.1829T>A on transcript NM_001384609.1 (MANE Select); coding-DNA position 1829, T replaced by A.
Protein change: p.Leu610Gln; replaces leucine 610 with glutamine.
Molecular consequence: missense variant.
Genome position (GRCh38, 1-based): chr13:87,677,217, T>A. VCF-style: chr13-87677217-T-A. GRCh37 (hg19) VCF-style: chr13-88329472-T-A.
Other names: c.1829T>A, p.Leu610Gln (NM_001384610.1, NM_015567.2); short protein forms L610Q.
Identifiers: ClinVar variation 3051698 (VCV003051698.2), dbSNP rs117487344, ClinGen allele CA7015714.

ClinVar aggregate classification (germline): Benign (0 of 4 stars; one submission).

Conditions:
SLITRK5-related disorder. Also called: SLITRK5-related condition.

Allele frequency attached by ClinVar (database versions not stated): gnomAD exomes 0.00033; gnomAD 0.00048; TOPMed 0.00069; ExAC 0.00124; 1000 Genomes Project 0.00200; 1000 Genomes Project 30x 0.00203.
gnomAD v4.1: 577 of 1,614,210 alleles (0.036%); highest among the groups gnomAD compares: East Asian, 1%; 2 homozygotes.

Submission:

PreventionGenetics, part of Exact Sciences
Classification: Benign for SLITRK5-related condition. Last evaluated: 2020-01-27. Review status: no assertion criteria provided. Collection method: clinical testing. Allele origin: germline.
Comment: This variant is classified as benign based on ACMG/AMP sequence variant interpretation guidelines (Richards et al. 2015 PMID: 25741868, with internal and published modifications).